The following is an entry in ClinVar:

ClinVar aggregate classification (germline): Uncertain significance. Review status: criteria provided, multiple submitters, no conflicts (2 of 4 stars). 2 submissions from 2 submitters: Uncertain significance (2). Last evaluated 2021-12-07.

Conditions:
Retinitis pigmentosa 80 (RP80). Identifiers: MedGen C4540439, MONDO:0054708, OMIM 617781.
Saldino-Mainzer syndrome (SRTD9). Also called: CONORENAL SYNDROME; Renal dysplasia, retinal pigmentary dystrophy, cerebellar ataxia and skeletal dysplasia; short-rib thoracic dysplasia 9 with or without polydactyly; SHORT-RIB THORACIC DYSPLASIA 9 WITHOUT POLYDACTYLY. Identifiers: Orphanet 140969, MedGen C1849437, MONDO:0009964, OMIM 266920.

Allele frequency attached by ClinVar (database versions not stated): gnomAD below 0.00001 and 0.00001; gnomAD exomes 0.00001; TOPMed 0.00001.
gnomAD v4.1: 15 of 1,613,946 alleles (0.00093%); highest among the groups gnomAD compares: South Asian, 0.0088%; no homozygotes.

Submissions (2):

Fulgent Genetics
Classification: Uncertain significance for Saldino-Mainzer syndrome; Retinitis pigmentosa 80. Last evaluated: 2021-12-07. Review status: criteria provided, single submitter. Criteria: ACMG Guidelines, 2015. Collection method: clinical testing. Allele origin: unknown.

Labcorp Genetics (formerly Invitae), Labcorp
Classification: Uncertain significance for Saldino-Mainzer syndrome. Last evaluated: 2020-08-05. Review status: criteria provided, single submitter. Criteria: Invitae Variant Classification Sherloc (09022015). Collection method: clinical testing. Allele origin: germline.
Comment: This variant has not been reported in the literature in individuals with IFT140-related conditions. This sequence change replaces methionine with threonine at codon 350 of the IFT140 protein (p.Met350Thr). The methionine residue is moderately conserved and there is a moderate physicochemical difference between methionine and threonine. This variant is not present in population databases (ExAC no frequency). Algorithms developed to predict the effect of missense changes on protein structure and function (SIFT, PolyPhen-2, Align-GVGD) all suggest that this variant is likely to be tolerated, but these predictions have not been confirmed by published functional studies and their clinical significance is uncertain. In summary, the available evidence is currently insufficient to determine the role of this variant in disease. Therefore, it has been classified as a Variant of Uncertain Significance.

NM_014714.4(IFT140):c.1049T>C (p.Met350Thr)

Genes: IFT140 (intraflagellar transport 140; minus strand), LOC105371046 (uncharacterized LOC105371046; plus strand). Cytogenetic location: 16p13.3.
Variant type: single nucleotide variant.
Coding change: c.1049T>C on transcript NM_014714.4 (MANE Select); coding-DNA position 1049, T replaced by C.
Protein change: p.Met350Thr; replaces methionine 350 with threonine.
Molecular consequence: missense variant.
Genome position (GRCh38, 1-based): chr16:1,586,236, A>G on the plus strand (T>C on the coding strand, the complement: IFT140 is on the minus strand). VCF-style: chr16-1586236-A-G. GRCh37 (hg19) VCF-style: chr16-1636237-A-G.
Other names: short protein forms M350T.
Identifiers: ClinVar variation 1024861 (VCV001024861.9), dbSNP rs1188370536, ClinGen allele CA394216174.